The following is an entry in ClinVar:

NM_014908.4(DOLK):c.1503_1504insTTGGTCCATCC (p.Ser502fs)

Gene: DOLK (dolichol kinase; minus strand). Cytogenetic location: 9q34.11.
Variant type: Insertion.
Coding change: c.1503_1504insTTGGTCCATCC on transcript NM_014908.4 (MANE Select); coding-DNA positions 1503 to 1504, TTGGTCCATCC inserted.
Protein change: p.Ser502fs; shifts the reading frame from serine 502.
Molecular consequence: frameshift variant.
Genome position: GRCh38 VCF-style: chr9-128945800-T-TGGATGGACCAA. GRCh37 (hg19) VCF-style: chr9-131708079-T-TGGATGGACCAA.
Other names: c.1503_1504insTTGGTCCATCC (NM_014908.3); short protein forms S502fs.
Identifiers: ClinVar variation 1774044 (VCV001774044.2), dbSNP rs2492002591, ClinGen allele CA2580079775.

ClinVar aggregate classification (germline): Uncertain significance (1 of 4 stars; one submission).

Conditions:
Cardiovascular phenotype. Identifiers: MedGen CN230736.

Submission:

Ambry Genetics
Classification: Uncertain significance for Cardiovascular phenotype. Last evaluated: 2023-11-14. Review status: criteria provided, single submitter. Criteria: Ambry Variant Classification Scheme 2023. Collection method: clinical testing. Allele origin: germline.
Comment: The c.1503_1504ins11 variant, located in coding exon 1 of the DOLK gene, results from an insertion of 11 nucleotides at position 1503, causing a translational frameshift with a predicted alternate stop codon (p.S502Lfs*26). This alteration occurs at the 3' terminus of theDOLK gene, is not expected to trigger nonsense-mediated mRNAdecay, and only impacts the last 35 amino acids of the protein. The exact functional effect of this alteration is unknown. Since supporting evidence is limited at this time, the clinical significance of this alteration remains unclear.